The following is an entry in ClinVar:

ClinVar aggregate classification (germline): Uncertain significance (1 of 4 stars; one submission).

Conditions:
Cardiovascular phenotype. Identifiers: MedGen CN230736.
Hereditary cancer-predisposing syndrome. Also called: Neoplastic Syndromes, Hereditary; Tumor predisposition; Hereditary Cancer Syndrome; Hereditary neoplastic syndrome. Identifiers: Orphanet 140162, MedGen C0027672, MeSH D009386, MONDO:0015356.

Submission:

Ambry Genetics
Classification: Uncertain significance for Cardiovascular phenotype; Hereditary cancer-predisposing syndrome. Last evaluated: 2025-10-29. Review status: criteria provided, single submitter. Criteria: Ambry Variant Classification Scheme 2023. Collection method: clinical testing. Allele origin: germline.
Comment: The p.S467R variant (also known as c.1401C>G), located in coding exon 13 of the LZTR1 gene, results from a C to G substitution at nucleotide position 1401. The serine at codon 467 is replaced by arginine, an amino acid with dissimilar properties. This amino acid position is conserved. In addition, the in silico prediction for this alteration is inconclusive. Based on the available evidence, the clinical significance of this variant remains unclear.

NM_006767.4(LZTR1):c.1401C>G (p.Ser467Arg)

Gene: LZTR1 (leucine zipper like post translational regulator 1; plus strand). Cytogenetic location: 22q11.21.
Variant type: single nucleotide variant.
Coding change: c.1401C>G on transcript NM_006767.4 (MANE Select); coding-DNA position 1401, C replaced by G.
Protein change: p.Ser467Arg; replaces serine 467 with arginine.
Molecular consequence: missense variant.
Genome position (GRCh38, 1-based): chr22:20,993,971, C>G. VCF-style: chr22-20993971-C-G. GRCh37 (hg19) VCF-style: chr22-21348260-C-G.
Other names: short protein forms S467R.
Identifiers: ClinVar variation 4615645 (VCV004615645.1).